The following is an entry in ClinVar:

NM_004104.5(FASN):c.2004G>C (p.Glu668Asp)

Gene: FASN (fatty acid synthase; minus strand). Cytogenetic location: 17q25.3.
Variant type: single nucleotide variant.
Coding change: c.2004G>C on transcript NM_004104.5 (MANE Select); coding-DNA position 2004, G replaced by C.
Protein change: p.Glu668Asp; replaces glutamic acid 668 with aspartic acid.
Molecular consequence: missense variant.
Genome position (GRCh38, 1-based): chr17:82,089,346, C>G on the plus strand (G>C on the coding strand, the complement: FASN is on the minus strand). VCF-style: chr17-82089346-C-G. GRCh37 (hg19) VCF-style: chr17-80047222-C-G.
Other names: short protein forms E668D.
Identifiers: ClinVar variation 1364531 (VCV001364531.8), dbSNP rs2034162227, ClinGen allele CA401558942.
Genomic context (GRCh38, chr17:82,089,346, plus strand): 5'-CTCCATGAAGTAGGAGTGGAAGGCCATACCGCCGGTCCGCACCTCCTTGGCAAACACACC[C>G]TCCTTCCTCAGCTGCTCCACGAACTCAAACACCGGGGCCTGGACATCGTGGGAGCCTGGA-3'
Protein context (NP_004095.4, residues 658-678): VFEFVEQLRK[Glu668Asp]GVFAKEVRTG

ClinVar aggregate classification (germline): Uncertain significance (1 of 4 stars; one submission).

Conditions:
Epileptic encephalopathy. Identifiers: MedGen C0543888, HP:0200134.

Allele frequency attached by ClinVar (database versions not stated): gnomAD exomes below 0.00001.
gnomAD v4.1: 1 of 1,612,866 alleles (0.000062%); highest among the groups gnomAD compares: African/African-American, 0.0013%; no homozygotes.

Submission:

Labcorp Genetics (formerly Invitae), Labcorp
Classification: Uncertain significance for Epileptic encephalopathy. Last evaluated: 2020-12-19. Review status: criteria provided, single submitter. Criteria: Invitae Variant Classification Sherloc (09022015). Collection method: clinical testing. Allele origin: germline.
Comment: This variant is not present in population databases (ExAC no frequency). In summary, the available evidence is currently insufficient to determine the role of this variant in disease. Therefore, it has been classified as a Variant of Uncertain Significance. Algorithms developed to predict the effect of missense changes on protein structure and function (SIFT, PolyPhen-2, Align-GVGD) all suggest that this variant is likely to be tolerated, but these predictions have not been confirmed by published functional studies and their clinical significance is uncertain. This variant has not been reported in the literature in individuals with FASN-related conditions. This sequence change replaces glutamic acid with aspartic acid at codon 668 of the FASN protein (p.Glu668Asp). The glutamic acid residue is moderately conserved and there is a small physicochemical difference between glutamic acid and aspartic acid.